The following is an entry in ClinVar:

ClinVar aggregate classification (germline): Likely benign (0 of 4 stars; one submission).

Conditions:
PDE6B-related disorder. Also called: PDE6B-related disorders; PDE6B-related disease; PDE6B-related condition.

gnomAD v4.1: 59 of 1,610,934 alleles (0.0037%); highest among the groups gnomAD compares: Non-Finnish European, 0.0044%; no homozygotes.

Submission:

PreventionGenetics, part of Exact Sciences
Classification: Likely benign for PDE6B-related condition. Last evaluated: 2024-09-18. Review status: no assertion criteria provided. Collection method: clinical testing. Allele origin: germline.
Comment: This variant is classified as likely benign based on ACMG/AMP sequence variant interpretation guidelines (Richards et al. 2015 PMID: 25741868, with internal and published modifications).

NM_000283.4(PDE6B):c.*11C>T

Gene: PDE6B (phosphodiesterase 6B; plus strand). Cytogenetic location: 4p16.3.
Variant type: single nucleotide variant.
Coding change: c.*11C>T on transcript NM_000283.4 (MANE Select); 11 bases downstream of the stop codon, C replaced by T.
Molecular consequence: 3 prime UTR variant. On other transcripts: synonymous variant (2).
Genome position (GRCh38, 1-based): chr4:670,118, C>T. VCF-style: chr4-670118-C-T. GRCh37 (hg19) VCF-style: chr4-663907-C-T.
Other names: c.*11C>T (NM_001145291.2, NM_001145292.2, NM_001379246.1 and 1 more transcripts); c.1674C>T, p.Pro558= (NM_001350154.3); c.1356C>T, p.Pro452= (NM_001350155.3).
Identifiers: ClinVar variation 3355452 (VCV003355452.1).